The following is an entry in ClinVar:

NM_020853.2(FAM234B):c.105C>T (p.Asp35=)

Gene: FAM234B (family with sequence similarity 234 member B; plus strand). Cytogenetic location: 12p13.1.
Variant type: single nucleotide variant.
Coding change: c.105C>T on transcript NM_020853.2 (MANE Select); coding-DNA position 105, C replaced by T.
Protein change: p.Asp35=; no amino-acid change (aspartic acid 35 retained).
Molecular consequence: synonymous variant.
Genome position (GRCh38, 1-based): chr12:13,055,618, C>T. VCF-style: chr12-13055618-C-T. GRCh37 (hg19) VCF-style: chr12-13208552-C-T.
Identifiers: ClinVar variation 3060079 (VCV003060079.2), dbSNP rs4763924, ClinGen allele CA6459416.

ClinVar aggregate classification (germline): Benign (0 of 4 stars; one submission).

Conditions:
FAM234B-related disorder. Also called: FAM234B-related condition.

Allele frequency attached by ClinVar (database versions not stated): gnomAD exomes 0.17284; ESP Exome Variant Server 0.21375; gnomAD 0.23674; ExAC 0.23904; TOPMed 0.24938; 1000 Genomes Project 0.32788; 1000 Genomes Project 30x 0.32964.
gnomAD v4.1: 289,937 of 1,613,744 alleles (18%); highest among the groups gnomAD compares: East Asian, 49%; 32,431 homozygotes.

Submission:

PreventionGenetics, part of Exact Sciences
Classification: Benign for FAM234B-related condition. Last evaluated: 2019-10-21. Review status: no assertion criteria provided. Collection method: clinical testing. Allele origin: germline.
Comment: This variant is classified as benign based on ACMG/AMP sequence variant interpretation guidelines (Richards et al. 2015 PMID: 25741868, with internal and published modifications).